The following is an entry in ClinVar:

ClinVar aggregate classification (germline): Uncertain significance (1 of 4 stars; one submission).

Conditions:
Neuronal ceroid lipofuscinosis. Also called: Neuronal Ceroid Lipofuscinoses. Identifiers: Orphanet 216, Orphanet 79263, MedGen C0027877, MONDO:0016295. Disease mechanism: loss of function.

Allele frequency attached by ClinVar (database versions not stated): gnomAD exomes 0.00001.

Submission:

Labcorp Genetics (formerly Invitae), Labcorp
Classification: Uncertain significance for Neuronal ceroid lipofuscinosis. Last evaluated: 2022-04-07. Review status: criteria provided, single submitter. Criteria: Invitae Variant Classification Sherloc (09022015). Collection method: clinical testing. Allele origin: germline.
Comment: This sequence change replaces isoleucine, which is neutral and non-polar, with valine, which is neutral and non-polar, at codon 115 of the CTSD protein (p.Ile115Val). This variant is not present in population databases (gnomAD no frequency). This variant has not been reported in the literature in individuals affected with CTSD-related conditions. Algorithms developed to predict the effect of missense changes on protein structure and function (SIFT, PolyPhen-2, Align-GVGD) all suggest that this variant is likely to be tolerated. In summary, the available evidence is currently insufficient to determine the role of this variant in disease. Therefore, it has been classified as a Variant of Uncertain Significance.

NM_001909.5(CTSD):c.343A>G (p.Ile115Val)

Gene: CTSD (cathepsin D; minus strand). Cytogenetic location: 11p15.5.
Variant type: single nucleotide variant.
Coding change: c.343A>G on transcript NM_001909.5 (MANE Select); coding-DNA position 343, A replaced by G.
Protein change: p.Ile115Val; replaces isoleucine 115 with valine.
Molecular consequence: missense variant.
Genome position (GRCh38, 1-based): chr11:1,759,525, T>C on the plus strand (A>G on the coding strand, the complement: CTSD is on the minus strand). VCF-style: chr11-1759525-T-C. GRCh37 (hg19) VCF-style: chr11-1780755-T-C.
Other names: short protein forms I115V.
Identifiers: ClinVar variation 2069782 (VCV002069782.1), dbSNP rs2493826843, ClinGen allele CA379097993.